The following is an entry in ClinVar:

ClinVar aggregate classification (germline): Uncertain significance (1 of 4 stars; one submission).

Conditions:
Tuberous sclerosis 2 (TSC2). Identifiers: Orphanet 805, MedGen C1860707, MONDO:0013199, OMIM 613254.

Submission:

Labcorp Genetics (formerly Invitae), Labcorp
Classification: Uncertain significance for Tuberous sclerosis 2. Last evaluated: 2023-06-20. Review status: criteria provided, single submitter. Criteria: Invitae Variant Classification Sherloc (09022015). Collection method: clinical testing. Allele origin: germline.
Comment: In summary, the available evidence is currently insufficient to determine the role of this variant in disease. Therefore, it has been classified as a Variant of Uncertain Significance. Advanced modeling of protein sequence and biophysical properties (such as structural, functional, and spatial information, amino acid conservation, physicochemical variation, residue mobility, and thermodynamic stability) has been performed at Invitae for this missense variant, however the output from this modeling did not meet the statistical confidence thresholds required to predict the impact of this variant on TSC2 protein function. This variant has not been reported in the literature in individuals affected with TSC2-related conditions. This variant is not present in population databases (gnomAD no frequency). This sequence change replaces glycine, which is neutral and non-polar, with valine, which is neutral and non-polar, at codon 1054 of the TSC2 protein (p.Gly1054Val).

NM_000548.5(TSC2):c.3161G>T (p.Gly1054Val)

Gene: TSC2 (TSC complex subunit 2; plus strand). Cytogenetic location: 16p13.3.
Variant type: single nucleotide variant.
Coding change: c.3161G>T on transcript NM_000548.5 (MANE Select); coding-DNA position 3161, G replaced by T.
Protein change: p.Gly1054Val; replaces glycine 1054 with valine.
Molecular consequence: missense variant. On other transcripts: non-coding transcript variant (5).
Genome position (GRCh38, 1-based): chr16:2,079,305, G>T. VCF-style: chr16-2079305-G-T. GRCh37 (hg19) VCF-style: chr16-2129306-G-T.
Other names: c.3029G>T, p.Gly1010Val (NM_001077183.3, NM_001370404.1, NM_001406665.1); c.3161G>T, p.Gly1054Val (NM_001114382.3); c.2921G>T, p.Gly974Val (NM_001318827.2); c.2885G>T, p.Gly962Val (NM_001318829.2); c.2429G>T, p.Gly810Val (NM_001318831.2, NM_001406687.1, NM_001406688.1); c.3062G>T, p.Gly1021Val (NM_001318832.2); c.3032G>T, p.Gly1011Val (NM_001363528.2, NM_021055.3, NM_001370405.1); c.3014G>T, p.Gly1005Val (NM_001406675.1); and 18 more; short protein forms G1004V, G1054V, G810V, G811V, G857V, G991V, G1006V, G1007V.
Identifiers: ClinVar variation 2860338 (VCV002860338.3), dbSNP rs2151437621, ClinGen allele CA394285353.